The following is an entry in ClinVar:

NM_024325.6(ZNF343):c.1617T>C (p.His539=)

Gene: ZNF343 (zinc finger protein 343; minus strand). Cytogenetic location: 20p13.
Variant type: single nucleotide variant.
Coding change: c.1617T>C on transcript NM_024325.6 (MANE Select); coding-DNA position 1617, T replaced by C.
Protein change: p.His539=; no amino-acid change (histidine 539 retained).
Molecular consequence: synonymous variant.
Genome position (GRCh38, 1-based): chr20:2,483,344, A>G on the plus strand (T>C on the coding strand, the complement: ZNF343 is on the minus strand). VCF-style: chr20-2483344-A-G. GRCh37 (hg19) VCF-style: chr20-2463990-A-G.
Other names: c.1617T>C, p.His539= (NM_001282495.1, NM_001282496.2, NM_001321800.2); c.1740T>C, p.His580= (NM_001282497.2, NM_001321801.2); c.1347T>C, p.His449= (NM_001282498.2); c.1737T>C, p.His579= (NM_001321802.2, NM_001321803.2); c.1614T>C, p.His538= (NM_001321805.2).
Identifiers: ClinVar variation 3026082 (VCV003026082.22), dbSNP rs774918301, ClinGen allele CA9732650.
Genomic context (GRCh38, chr20:2,483,344, plus strand): 5'-GCTAAAGCCTCGGCCACACTCACTGCACACGTAAGGCTTCTCTCCTGAGTGTGTCCTCTC[A>G]TGTACAATGAGGGTTGACTTGTCACAAAAGCCTCGCCCACATTCCCTGCAAATATAAGGC-3'
Protein context (NP_077301.4, residues 529-549): GFCDKSTLIV[His539=]ERTHSGEKPY

ClinVar aggregate classification (germline): Likely benign (1 of 4 stars; one submission).

Allele frequency attached by ClinVar (database versions not stated): ExAC 0.00001; gnomAD 0.00001.

Submission:

CeGaT Center for Human Genetics Tuebingen
Classification: Likely benign. Last evaluated: 2024-02-01. Review status: criteria provided, single submitter. Criteria: CeGaT Center For Human Genetics Tuebingen Variant Classification Criteria Version 2. Collection method: clinical testing. Allele origin: germline. Affected: yes. Observed: 1 variant allele.
Comment: ZNF343: BP4, BP7